The following is an entry in ClinVar:

NM_004285.4(H6PD):c.2180G>A (p.Arg727His)

Gene: H6PD (hexose-6-phosphate dehydrogenase/glucose 1-dehydrogenase; plus strand). Cytogenetic location: 1p36.22.
Variant type: single nucleotide variant.
Coding change: c.2180G>A on transcript NM_004285.4 (MANE Select); coding-DNA position 2180, G replaced by A.
Protein change: p.Arg727His; replaces arginine 727 with histidine.
Molecular consequence: missense variant.
Genome position (GRCh38, 1-based): chr1:9,264,673, G>A. VCF-style: chr1-9264673-G-A. GRCh37 (hg19) VCF-style: chr1-9324732-G-A.
Other names: c.2213G>A, p.Arg738His (NM_001282587.2); c.2180G>A (NM_004285.3); short protein forms R738H, R727H.
Identifiers: ClinVar variation 3713767 (VCV003713767.3).

ClinVar aggregate classification (germline): Uncertain significance. Review status: criteria provided, multiple submitters, no conflicts (2 of 4 stars). 2 submissions from 2 submitters: Uncertain significance (2). Last evaluated 2025-08-02.

Conditions:
Inborn genetic diseases. Identifiers: MedGen C0950123, MeSH D030342.

gnomAD v4.1: 45 of 1,613,224 alleles (0.0028%); highest among the groups gnomAD compares: Admixed American, 0.018%; no homozygotes.

Submissions (2):

Ambry Genetics
Classification: Uncertain significance for Inborn genetic diseases. Last evaluated: 2025-08-02. Review status: criteria provided, single submitter. Criteria: Ambry Variant Classification Scheme 2023. Collection method: clinical testing. Allele origin: germline.

Labcorp Genetics (formerly Invitae), Labcorp
Classification: Uncertain significance. Last evaluated: 2025-06-04. Review status: criteria provided, single submitter. Criteria: Invitae Variant Classification Sherloc (09022015). Collection method: clinical testing. Allele origin: germline.
Comment: This sequence change replaces arginine, which is basic and polar, with histidine, which is basic and polar, at codon 727 of the H6PD protein (p.Arg727His). This variant is present in population databases (rs558432307, gnomAD 0.01%). This variant has not been reported in the literature in individuals affected with H6PD-related conditions. ClinVar contains an entry for this variant (Variation ID: 3713767). Invitae Evidence Modeling of protein sequence and biophysical properties (such as structural, functional, and spatial information, amino acid conservation, physicochemical variation, residue mobility, and thermodynamic stability) indicates that this missense variant is not expected to disrupt H6PD protein function with a negative predictive value of 80%. In summary, the available evidence is currently insufficient to determine the role of this variant in disease. Therefore, it has been classified as a Variant of Uncertain Significance.